The following is an entry in ClinVar:

NM_001365276.2(TNXB):c.9584C>T (p.Ser3195Phe)

Gene: TNXB (tenascin XB; minus strand). Cytogenetic location: 6p21.33.
Variant type: single nucleotide variant.
Coding change: c.9584C>T on transcript NM_001365276.2 (MANE Select); coding-DNA position 9584, C replaced by T.
Protein change: p.Ser3195Phe; replaces serine 3195 with phenylalanine.
Molecular consequence: missense variant.
Genome position (GRCh38, 1-based): chr6:32,049,443, G>A on the plus strand (C>T on the coding strand, the complement: TNXB is on the minus strand). VCF-style: chr6-32049443-G-A. GRCh37 (hg19) VCF-style: chr6-32017220-G-A.
Other names: c.9578C>T, p.Ser3193Phe (NM_019105.8); short protein forms S3193F, S3195F.
Identifiers: ClinVar variation 1013499 (VCV001013499.48), dbSNP rs768193578, ClinGen allele CA3733477.

ClinVar aggregate classification (germline): Conflicting classifications of pathogenicity. Review status: criteria provided, conflicting classifications (1 of 4 stars). 5 submissions from 5 submitters: Uncertain significance (4); Likely benign (1). Last evaluated 2026-03-24.

Conditions:
Cardiovascular phenotype. Identifiers: MedGen CN230736.

Allele frequency attached by ClinVar (database versions not stated): gnomAD 0.00001 and 0.00002; TOPMed 0.00003.
gnomAD v4.1: 36 of 1,612,620 alleles (0.0022%); highest among the groups gnomAD compares: Middle Eastern, 0.11%; 1 homozygote.

Submissions (5):

Women's Health and Genetics/Laboratory Corporation of America, LabCorp
Classification: Uncertain significance. Last evaluated: 2026-03-24. Review status: criteria provided, single submitter. Criteria: LabCorp Variant Classification Summary - May 2015. Collection method: clinical testing. Allele origin: germline.
Comment: Variant summary: TNXB c.9578C>T (p.Ser3193Phe) results in a non-conservative amino acid change in the encoded protein sequence. Algorithms developed to predict the effect of missense changes on protein structure and function are either unavailable or do not agree on the potential impact of this missense change. The variant allele was found at a frequency of 2.4e-05 in 246054 control chromosomes. The available data on variant occurrences in the general population are insufficient to allow any conclusion about variant significance. To our knowledge, no occurrence of c.9578C>T in individuals affected with TNXB-related conditions and no experimental evidence demonstrating its impact on protein function have been reported. ClinVar contains an entry for this variant (Variation ID: 1013499). Based on the evidence outlined above, the variant was classified as uncertain significance.

Ambry Genetics
Classification: Uncertain significance for Cardiovascular phenotype. Last evaluated: 2025-08-20. Review status: criteria provided, single submitter. Criteria: Ambry Variant Classification Scheme 2023. Collection method: clinical testing. Allele origin: germline.

CeGaT Center for Human Genetics Tuebingen
Classification: Uncertain significance. Last evaluated: 2024-12-01. Review status: criteria provided, single submitter. Criteria: CeGaT Center For Human Genetics Tuebingen Variant Classification Criteria Version 2. Collection method: clinical testing. Allele origin: germline. Affected: yes. Observed: 3 variant alleles.
Comment: TNXB: PM2, BP4

Blueprint Genetics
Classification: Likely benign. Last evaluated: 2022-07-29. Review status: criteria provided, single submitter. Criteria: ACMG Guidelines, 2015. Collection method: clinical testing. Allele origin: germline.

GeneDx
Classification: Uncertain significance. Last evaluated: 2021-10-06. Review status: criteria provided, single submitter. Criteria: GeneDx Variant Classification Process June 2021. Collection method: clinical testing. Allele origin: germline. Affected: yes.
Comment: Has not been previously published as pathogenic or benign to our knowledge; In silico analysis supports that this missense variant has a deleterious effect on protein structure/function; Reported in ClinVar but additional evidence is not available (ClinVar Variant ID#1013499; Landrum et al., 2016)